The following is an entry in ClinVar:

ClinVar aggregate classification (germline): Conflicting classifications of pathogenicity. Review status: criteria provided, conflicting classifications (1 of 4 stars). 2 submissions from 2 submitters: Uncertain significance (1); Likely benign (1). Last evaluated 2026-04-27.

Allele frequency attached by ClinVar (database versions not stated): gnomAD 0.00003; ESP Exome Variant Server 0.00008; gnomAD exomes below 0.00001; TOPMed 0.00002; ExAC 0.00003.
gnomAD v4.1: 5 of 1,608,230 alleles (0.00031%); highest among the groups gnomAD compares: African/African-American, 0.0067%; no homozygotes.

Submissions (2):

Women's Health and Genetics/Laboratory Corporation of America, LabCorp
Classification: Likely benign. Last evaluated: 2026-04-27. Review status: criteria provided, single submitter. Criteria: LabCorp Variant Classification Summary - May 2015. Collection method: clinical testing. Allele origin: germline.

Labcorp Genetics (formerly Invitae), Labcorp
Classification: Uncertain significance. Last evaluated: 2022-11-04. Review status: criteria provided, single submitter. Criteria: Invitae Variant Classification Sherloc (09022015). Collection method: clinical testing. Allele origin: germline.
Comment: In summary, the available evidence is currently insufficient to determine the role of this variant in disease. Therefore, it has been classified as a Variant of Uncertain Significance. Algorithms developed to predict the effect of sequence changes on RNA splicing suggest that this variant may create or strengthen a splice site. This variant has not been reported in the literature in individuals affected with MYH3-related conditions. This variant is present in population databases (rs368891008, gnomAD 0.01%). This sequence change falls in intron 10 of the MYH3 gene. It does not directly change the encoded amino acid sequence of the MYH3 protein.

NM_002470.4(MYH3):c.899-11T>C

Gene: MYH3 (myosin heavy chain 3; minus strand). Cytogenetic location: 17p13.1.
Variant type: single nucleotide variant.
Coding change: c.899-11T>C on transcript NM_002470.4 (MANE Select); 11 bases into the intron before coding-DNA position 899, T replaced by C.
Molecular consequence: intron variant.
Genome position (GRCh38, 1-based): chr17:10,646,043, A>G on the plus strand (T>C on the coding strand, the complement: MYH3 is on the minus strand). VCF-style: chr17-10646043-A-G. GRCh37 (hg19) VCF-style: chr17-10549360-A-G.
Identifiers: ClinVar variation 3014877 (VCV003014877.4), dbSNP rs368891008, ClinGen allele CA8393129.